The following is an entry in ClinVar:

NM_007294.4(BRCA1):c.957_958dup (p.Arg320fs)

Gene: BRCA1 (BRCA1 DNA repair associated; minus strand). Cytogenetic location: 17q21.31.
Variant type: Duplication.
Coding change: c.957_958dup on transcript NM_007294.4 (MANE Select); coding-DNA positions 957 to 958, 2 bases duplicated (CA; older notation c.957_958dupCA).
Protein change: p.Arg320fs; shifts the reading frame from arginine 320.
Molecular consequence: frameshift variant. On other transcripts: intron variant (137).
Genome position (GRCh38, 1-based): chr17:43,094,573-43,094,574, TG duplicated on the plus strand (CA on the coding strand, the reverse complement: BRCA1 is on the minus strand); duplicating any 2 consecutive bases within chr17:43,094,573-43,094,575 gives the same sequence; the c. name uses the placement nearest the transcript's 3' end. VCF-style (leftmost placement, unchanged base first): chr17-43094572-C-CTG. GRCh37 (hg19) VCF-style: chr17-41246589-C-CTG.
Other names: c.957_958dup, p.Arg320fs (NM_007300.4, NM_001407581.1, NM_001407582.1 and 30 more transcripts); c.646+170_646+171dup (NM_001408458.1, NM_001408469.1, NM_001408453.1 and 11 more transcripts); c.283+170_283+171dup (NM_001408512.1); c.406+170_406+171dup (NM_001408510.1); c.643+170_643+171dup (NM_001408470.1, NM_001408464.1, NM_001408468.1 and 3 more transcripts); c.784+170_784+171dup (NM_001408397.1, NM_001408401.1, NM_001408396.1 and 13 more transcripts); c.664+170_664+171dup (NM_001408436.1, NM_001408444.1, NM_001408438.1 and 12 more transcripts); c.787+170_787+171dup (NM_001407980.1, NM_001407993.1, NM_001407976.1 and 19 more transcripts); and 40 more; short protein forms R152fs, R192fs, R193fs, R208fs, R209fs, R231fs, R232fs, R249fs.
Identifiers: ClinVar variation 5016487 (VCV005016487.1).

ClinVar aggregate classification (germline): Likely pathogenic (1 of 4 stars; one submission).

Conditions:
Breast-ovarian cancer, familial, susceptibility to, 1 (BROVCA1). Also called: OVARIAN CANCER, SUSCEPTIBILITY TO; BRCA1 Hereditary Breast and Ovarian Cancer. Identifiers: Orphanet 145, MedGen C2676676, MONDO:0011450, OMIM 604370. Disease mechanism: loss of function.

Submission:

Laboratorio de Genética, Hospital Universitario Reina Sofía
Classification: Likely pathogenic for Breast-ovarian cancer, familial, susceptibility to, 1. Last evaluated: 2024-04-16. Review status: criteria provided, single submitter. Criteria: ACMG Guidelines, 2015. Collection method: clinical testing. Allele origin: germline. Affected: yes. Observed: 1 variant allele, 1 heterozygote.
Comment: This variant is classified as Likely Pathogenic as it meets ACMG/AMP criteria PVS1 (Very Strong), since NM_007294.4(BRCA1):c.957_958dup is a predicted frameshift (loss-of-function) variant in BRCA1, where loss of function is an established disease mechanism for hereditary breast/ovarian cancer predisposition, and PM2, as it is absent/rare in population databases; additionally, the patient’s family history of breast cancer is consistent with the known BRCA1-associated phenotype, but family history alone is not sufficient to apply a BRCA1/2-specific pathogenic evidence code without formal segregation/likelihood-ratio–based evaluation under the ClinGen ENIGMA BRCA1/2 specifications